The following is an entry in ClinVar:

ClinVar aggregate classification (germline): Conflicting classifications of pathogenicity. Review status: criteria provided, conflicting classifications (1 of 4 stars). 7 submissions from 7 submitters: Uncertain risk allele (1); Benign (2); Likely benign (3). 1 of the submissions does not count toward it. Last evaluated 2025-12-11.

Conditions:
HNF1A-related disorder. Also called: HNF1A-related condition.
Monogenic diabetes. Identifiers: Orphanet 183625, MedGen C3888631, MONDO:0015967.
Maturity-onset diabetes of the young (MODY). Also called: Maturity onset diabetes mellitus in young. Identifiers: Orphanet 552, MedGen C0342276, MONDO:0018911, HP:0004904.

Allele frequency attached by ClinVar (database versions not stated): TOPMed 0.00103; gnomAD exomes 0.00010 and 0.00024; ExAC 0.00027; 1000 Genomes Project 0.00060; 1000 Genomes Project 30x 0.00062; ESP Exome Variant Server 0.00085; gnomAD 0.00093 and 0.00103.
gnomAD v4.1: 291 of 1,612,424 alleles (0.018%); highest among the groups gnomAD compares: African/African-American, 0.36%; 2 homozygotes.

Submissions (7):

Labcorp Genetics (formerly Invitae), Labcorp
Classification: Benign. Last evaluated: 2025-12-11. Review status: criteria provided, single submitter. Criteria: Invitae Variant Classification Sherloc (09022015). Collection method: clinical testing. Allele origin: germline.

Blueprint Genetics
Classification: Likely benign. Last evaluated: 2024-11-26. Review status: criteria provided, single submitter. Criteria: ACMG Guidelines, 2015. Collection method: clinical testing. Allele origin: germline.

Ambry Genetics
Classification: Likely benign for Maturity-onset diabetes of the young. Last evaluated: 2022-09-13. Review status: criteria provided, single submitter. Criteria: Ambry Variant Classification Scheme 2023. Collection method: clinical testing. Allele origin: germline.

Athena Diagnostics
Classification: Benign. Last evaluated: 2018-03-05. Review status: criteria provided, single submitter. Criteria: Athena Diagnostics Criteria. Collection method: clinical testing. Allele origin: germline.

Personalized Diabetes Medicine Program, University of Maryland School of Medicine
Classification: Likely benign for Monogenic diabetes. Last evaluated: 2015-11-10. Review status: criteria provided, single submitter. Criteria: ACMG Guidelines, 2015. Collection method: research. Allele origin: unknown. Observed: 1 variant allele, 1 heterozygote.
Comment: ACMG Criteria: PP3, BS2, BP4

Clinical Genomics, Uppaluri K&H Personalized Medicine Clinic
Classification: Uncertain risk allele for Maturity-onset diabetes of the young. Review status: criteria provided, single submitter. Criteria: K & H Uppaluri Personalized Medicine Clinic Variant Classification & Assertion Criteria_Updated V.1. Collection method: research. Allele origin: unknown. Inheritance: Autosomal dominant inheritance.
Comment: Mutations in HNF1A gene can predispose to MODY3. It is associated with both micro and macrovascular complications of diabetes, especially cardiovascular complications. Associated with glucosuria. May respond well to sulfonylureas. However, more evidence is required to confer the association of this particular variant rs141304623 with MODY3.

PreventionGenetics, part of Exact Sciences
Classification: Likely benign for HNF1A-related condition. Last evaluated: 2021-05-07. Review status: no assertion criteria provided. Collection method: clinical testing. Allele origin: germline. Not counted in ClinVar's aggregate classification.
Comment: This variant is classified as likely benign based on ACMG/AMP sequence variant interpretation guidelines (Richards et al. 2015 PMID: 25741868, with internal and published modifications).

Literature cited by the submitters: PubMed 31517624 (cited by Clinical Genomics, Uppaluri K&H Personalized Medicine Clinic); PubMed 32395877 (cited by Clinical Genomics, Uppaluri K&H Personalized Medicine Clinic); PubMed 35328643 (cited by Clinical Genomics, Uppaluri K&H Personalized Medicine Clinic).

NM_000545.8(HNF1A):c.1722C>A (p.Ser574Arg)

Gene: HNF1A (HNF1 homeobox A; plus strand). Cytogenetic location: 12q24.31.
Variant type: single nucleotide variant.
Coding change: c.1722C>A on transcript NM_000545.8 (MANE Select); coding-DNA position 1722, C replaced by A.
Protein change: p.Ser574Arg; replaces serine 574 with arginine.
Molecular consequence: missense variant.
Genome position (GRCh38, 1-based): chr12:120,999,581, C>A. VCF-style: chr12-120999581-C-A. GRCh37 (hg19) VCF-style: chr12-121437384-C-A.
Other names: c.1722C>A (NM_000545.6); c.1743C>A, p.Ser581Arg (NM_001306179.2); short protein forms S581R, S574R.
Identifiers: ClinVar variation 393435 (VCV000393435.15), dbSNP rs141304623, ClinGen allele CA6832159.